The following is an entry in ClinVar:

NM_007294.4(BRCA1):c.4953C>A (p.Ser1651=)

Gene: BRCA1 (BRCA1 DNA repair associated; minus strand). Cytogenetic location: 17q21.31.
Variant type: single nucleotide variant.
Coding change: c.4953C>A on transcript NM_007294.4 (MANE Select); coding-DNA position 4953, C replaced by A.
Protein change: p.Ser1651=; no amino-acid change (serine 1651 retained).
Molecular consequence: synonymous variant. On other transcripts: intron variant (1).
Genome position (GRCh38, 1-based): chr17:43,070,961, G>T on the plus strand (C>A on the coding strand, the complement: BRCA1 is on the minus strand). VCF-style: chr17-43070961-G-T. GRCh37 (hg19) VCF-style: chr17-41222978-G-T.
Other names: c.1398C>A, p.Ser466= (NM_001408495.1); c.1380C>A, p.Ser460= (NM_001408496.1, NM_001408497.1, NM_001408498.1 and 3 more transcripts); c.1377C>A, p.Ser459= (NM_001408502.1, NM_001408503.1, NM_001408504.1); c.1374C>A, p.Ser458= (NM_001408505.1); c.1317C>A, p.Ser439= (NM_001408506.1); c.1314C>A, p.Ser438= (NM_001408507.1); c.1305C>A, p.Ser435= (NM_001408508.1); c.1302C>A, p.Ser434= (NM_001408509.1); and 71 more.
Identifiers: ClinVar variation 865722 (VCV000865722.3), dbSNP rs2052365717, ClinGen allele CA500231578.

Conditions:
Breast-ovarian cancer, familial, susceptibility to, 1 (BROVCA1). Also called: BRCA1 Hereditary Breast and Ovarian Cancer; OVARIAN CANCER, SUSCEPTIBILITY TO. Identifiers: Orphanet 145, MedGen C2676676, MONDO:0011450, OMIM 604370. Disease mechanism: loss of function.

Submission:

Brotman Baty Institute, University of Washington
No classification provided (evidence only). Condition: Breast-ovarian cancer, familial 1. Review status: no classification provided. Collection method: in vitro. Allele origin: not applicable. Functional consequence: functionally_normal.
ClinVar note: "not provided" was previously submitted as the classification for the variant. However, the classification appeared to be based only on an observation of functional data so it was converted to no classification on 2025-07-30.